The following is an entry in ClinVar:

NM_015213.4(DENND5A):c.143G>A (p.Arg48Lys)

Gene: DENND5A (DENN domain containing 5A; minus strand). Cytogenetic location: 11p15.4.
Variant type: single nucleotide variant.
Coding change: c.143G>A on transcript NM_015213.4 (MANE Select); coding-DNA position 143, G replaced by A.
Protein change: p.Arg48Lys; replaces arginine 48 with lysine.
Molecular consequence: missense variant. On other transcripts: 5 prime UTR variant (1), non-coding transcript variant (1), intron variant (1).
Genome position (GRCh38, 1-based): chr11:9,207,599, C>T on the plus strand (G>A on the coding strand, the complement: DENND5A is on the minus strand). VCF-style: chr11-9207599-C-T. GRCh37 (hg19) VCF-style: chr11-9229146-C-T.
Other names: c.143G>A, p.Arg48Lys (NM_001243254.2); c.-182G>A (NM_001348750.2); c.110-817G>A (NM_001348749.2); short protein forms R48K.
Identifiers: ClinVar variation 4882655 (VCV004882655.2).

ClinVar aggregate classification (germline): Uncertain significance (1 of 4 stars; one submission).

gnomAD v4.1: 12 of 1,613,498 alleles (0.00074%); highest among the groups gnomAD compares: African/African-American, 0.011%; no homozygotes.

Submission:

Dasa
Classification: Uncertain significance. Last evaluated: 2025-04-20. Review status: criteria provided, single submitter. Criteria: DASA Assertion Criteria. Collection method: clinical testing. Allele origin: germline.
Comment: NM_015213.4(DENND5A):c.143G>A (p.Arg48Lys) is a missense variant that results in the substitution of arginine with lysine. This variant is rare in population databases. Computational prediction algorithms are consistent with a benign effect. The currently available literature and clinical evidence are not sufficient to establish a definitive association between this variant and the reported condition. Therefore, this variant is classified as a variant of uncertain significance.